The following is an entry in ClinVar:

ClinVar aggregate classification (germline): Uncertain significance. Review status: criteria provided, multiple submitters, no conflicts (2 of 4 stars). 2 submissions from 2 submitters: Uncertain significance (2). Last evaluated 2026-01-06.

Conditions:
Inborn genetic diseases. Identifiers: MedGen C0950123, MeSH D030342.

Allele frequency attached by ClinVar (database versions not stated): gnomAD exomes 0.00008; ExAC 0.00031; ESP Exome Variant Server 0.00031; TOPMed 0.00052; gnomAD 0.00057.
gnomAD v4.1: 211 of 1,598,014 alleles (0.013%); highest among the groups gnomAD compares: Admixed American, 0.11%; 2 homozygotes.

Submissions (4):

Labcorp Genetics (formerly Invitae), Labcorp
Classification: Uncertain significance. Last evaluated: 2026-01-06. Review status: criteria provided, single submitter. Criteria: Invitae Variant Classification Sherloc (09022015). Collection method: clinical testing. Allele origin: germline.
Comment: This sequence change replaces arginine, which is basic and polar, with tryptophan, which is neutral and slightly polar, at codon 2249 of the LAMA5 protein (p.Arg2249Trp). This variant is present in population databases (rs200976496, gnomAD 0.09%). This variant has not been reported in the literature in individuals affected with LAMA5-related conditions. ClinVar contains an entry for this variant (Variation ID: 2508025). Invitae Evidence Modeling of protein sequence and biophysical properties (such as structural, functional, and spatial information, amino acid conservation, physicochemical variation, residue mobility, and thermodynamic stability) indicates that this missense variant is not expected to disrupt LAMA5 protein function with a negative predictive value of 80%. In summary, the available evidence is currently insufficient to determine the role of this variant in disease. Therefore, it has been classified as a Variant of Uncertain Significance.

Ambry Genetics
Classification: Uncertain significance for Inborn genetic diseases. Last evaluated: 2025-06-10. Review status: criteria provided, single submitter. Criteria: Ambry Variant Classification Scheme 2023. Collection method: clinical testing. Allele origin: germline.

Dr. Peter K. Rogan Lab, Western University
No classification provided (evidence only). Condition: Uterine corpus endometrial carcinoma. Review status: no classification provided. Collection method: in vitro. Allele origin: not applicable. Functional consequence: retained intron. Not counted in ClinVar's aggregate classification.

Dr. Peter K. Rogan Lab, Western University
No classification provided (evidence only). Condition: Cervical cancer. Review status: no classification provided. Collection method: in vitro. Allele origin: not applicable. Functional consequence: skipped exon, retained intron. Not counted in ClinVar's aggregate classification.

NM_005560.6(LAMA5):c.6745C>T (p.Arg2249Trp)

Gene: LAMA5 (laminin subunit alpha 5; minus strand). Cytogenetic location: 20q13.33.
Variant type: single nucleotide variant.
Coding change: c.6745C>T on transcript NM_005560.6 (MANE Select); coding-DNA position 6745, C replaced by T.
Protein change: p.Arg2249Trp; replaces arginine 2249 with tryptophan.
Molecular consequence: missense variant.
Genome position (GRCh38, 1-based): chr20:62,320,573, G>A on the plus strand (C>T on the coding strand, the complement: LAMA5 is on the minus strand). VCF-style: chr20-62320573-G-A. GRCh37 (hg19) VCF-style: chr20-60895629-G-A.
Other names: short protein forms R2249W.
Identifiers: ClinVar variation 2508025 (VCV002508025.6), dbSNP rs200976496, ClinGen allele CA9941588.
Genomic context (GRCh38, chr20:62,320,573, plus strand): 5'-ACAGGTGAAAGCCTCCCGGGGCCCTGGGGGGTCTTGGGGCTCCTGCCTGGCCGCCTAGCC[G>A]CCGTGCGTCCTGCCCGAGGCTTGTGCTCTGCTGCTCCAGCACCTCCAGCTGCTGTGCCGT-3'
Protein context (NP_005551.3, residues 2239-2259): QSTSLGQDAR[Arg2249Trp]LGGQAVGTRD